The following is an entry in ClinVar:

NM_005560.6(LAMA5):c.7136C>A (p.Ala2379Asp)

Gene: LAMA5 (laminin subunit alpha 5; minus strand). Cytogenetic location: 20q13.33.
Variant type: single nucleotide variant.
Coding change: c.7136C>A on transcript NM_005560.6 (MANE Select); coding-DNA position 7136, C replaced by A.
Protein change: p.Ala2379Asp; replaces alanine 2379 with aspartic acid.
Molecular consequence: missense variant.
Genome position (GRCh38, 1-based): chr20:62,318,557, G>T on the plus strand (C>A on the coding strand, the complement: LAMA5 is on the minus strand). VCF-style: chr20-62318557-G-T. GRCh37 (hg19) VCF-style: chr20-60893613-G-T.
Other names: short protein forms A2379D.
Identifiers: ClinVar variation 3684015 (VCV003684015.2).

ClinVar aggregate classification (germline): Uncertain significance (1 of 4 stars; one submission).

gnomAD v4.1: 2 of 1,610,222 alleles (0.00012%); highest among the groups gnomAD compares: Admixed American, 0.0017%; no homozygotes.

Submission:

Labcorp Genetics (formerly Invitae), Labcorp
Classification: Uncertain significance. Last evaluated: 2024-08-24. Review status: criteria provided, single submitter. Criteria: Invitae Variant Classification Sherloc (09022015). Collection method: clinical testing. Allele origin: germline.
Comment: This sequence change replaces alanine, which is neutral and non-polar, with aspartic acid, which is acidic and polar, at codon 2379 of the LAMA5 protein (p.Ala2379Asp). This variant is not present in population databases (gnomAD no frequency). This variant has not been reported in the literature in individuals affected with LAMA5-related conditions. Invitae Evidence Modeling of protein sequence and biophysical properties (such as structural, functional, and spatial information, amino acid conservation, physicochemical variation, residue mobility, and thermodynamic stability) indicates that this missense variant is not expected to disrupt LAMA5 protein function with a negative predictive value of 80%. In summary, the available evidence is currently insufficient to determine the role of this variant in disease. Therefore, it has been classified as a Variant of Uncertain Significance.